The following is an entry in ClinVar:

ClinVar aggregate classification (germline): Pathogenic (1 of 4 stars; one submission).

Conditions:
Glycogen storage disease type III (GSD3). Also called: Cori disease; FORBES DISEASE. Identifiers: Orphanet 366, MedGen C0017922, MONDO:0009291, OMIM 232400.

Submission:

Labcorp Genetics (formerly Invitae), Labcorp
Classification: Pathogenic for Glycogen storage disease type III. Last evaluated: 2019-05-16. Review status: criteria provided, single submitter. Criteria: Invitae Variant Classification Sherloc (09022015). Collection method: clinical testing. Allele origin: germline.
Comment: For these reasons, this variant has been classified as Pathogenic. Loss-of-function variants in AGL are known to be pathogenic (PMID: 19299494). This variant has not been reported in the literature in individuals with AGL-related conditions. This variant is not present in population databases (ExAC no frequency). This sequence change creates a premature translational stop signal (p.Asn459Aspfs*3) in the AGL gene. It is expected to result in an absent or disrupted protein product.

Literature cited by the submitters: PubMed 19299494.

NM_000642.3(AGL):c.1375_1378del (p.Asn459fs)

Gene: AGL (amylo-alpha-1,6-glucosidase and 4-alpha-glucanotransferase; plus strand). Cytogenetic location: 1p21.2.
Variant type: Deletion.
Coding change: c.1375_1378del on transcript NM_000642.3 (MANE Select); coding-DNA positions 1375 to 1378, 4 bases deleted (AATG; older notation c.1375_1378delAATG).
Protein change: p.Asn459fs; shifts the reading frame from asparagine 459.
Molecular consequence: frameshift variant.
Genome position (GRCh38, 1-based): chr1:99,876,549-99,876,552, AATG deleted. VCF-style (leftmost placement, unchanged base first): chr1-99876548-CAATG-C. GRCh37 (hg19) VCF-style: chr1-100342104-CAATG-C.
Other names: c.1375_1378delAATG, p.Asn459Aspfs (NM_000028.3, NM_000643.3, NM_000644.3 and 2 more transcripts); c.1327_1330delAATG, p.Asn443Aspfs (NM_000646.3); c.1174_1177delAATG, p.Asn392Aspfs (NM_001425327.1); c.1171_1174delAATG, p.Asn391Aspfs (NM_001425328.1, NM_001425329.1); c.997_1000delAATG, p.Asn333Aspfs (NM_001425332.1); short protein forms N459fs, N443fs.
Identifiers: ClinVar variation 939081 (VCV000939081.8), dbSNP rs1651548991, ClinGen allele CA1139656243.